The following is an entry in ClinVar:

ClinVar aggregate classification (germline): Uncertain significance (1 of 4 stars; one submission).

Conditions:
TTN-related disorder. Also called: TTN-related disorders; TTN-related condition; TTN-related disease.

gnomAD v4.1: 22 of 1,612,290 alleles (0.0014%); highest among the groups gnomAD compares: East Asian, 0.049%; no homozygotes.

Submission:

PreventionGenetics, part of Exact Sciences
Classification: Uncertain significance for TTN-related condition. Last evaluated: 2026-05-15. Review status: criteria provided, single submitter. Criteria: ACMG Guidelines, 2015. Collection method: clinical testing. Allele origin: germline.
Comment: The TTN c.57892A>C variant is predicted to result in the amino acid substitution p.Lys19298Gln. To our knowledge, this variant has not been reported in the literature. This variant is reported in 0.022% of alleles in individuals of East Asian descent in gnomAD. At this time, the clinical significance of this variant is uncertain due to the absence of conclusive functional and genetic evidence.

NM_001267550.2(TTN):c.57892A>C (p.Lys19298Gln)

Genes: TTN (titin; minus strand), TTN-AS1 (TTN antisense RNA 1; plus strand). Cytogenetic location: 2q31.2.
Variant type: single nucleotide variant.
Coding change: c.57892A>C on transcript NM_001267550.2 (MANE Select); coding-DNA position 57892, A replaced by C.
Protein change: p.Lys19298Gln; replaces lysine 19298 with glutamine.
Molecular consequence: missense variant.
Genome position (GRCh38, 1-based): chr2:178,594,602, T>G on the plus strand (A>C on the coding strand, the complement: TTN is on the minus strand). VCF-style: chr2-178594602-T-G. GRCh37 (hg19) VCF-style: chr2-179459329-T-G.
Other names: c.52969A>C, p.Lys17657Gln (NM_001256850.1); c.30697A>C, p.Lys10233Gln (NM_003319.4); c.50188A>C, p.Lys16730Gln (NM_133378.4); c.31072A>C, p.Lys10358Gln (NM_133432.3); c.31273A>C, p.Lys10425Gln (NM_133437.4); short protein forms K16730Q, K17657Q, K19298Q, K10233Q, K10358Q, K10425Q.
Identifiers: ClinVar variation 4989692 (VCV004989692.1).